The following is an entry in ClinVar:

ClinVar aggregate classification (germline): Uncertain significance (1 of 4 stars; one submission).

Conditions:
Koolen-de Vries syndrome (KDVS). Identifiers: Orphanet 96169, MedGen C1864871, MONDO:0012496, OMIM 610443.

Allele frequency attached by ClinVar (database versions not stated): gnomAD exomes below 0.00001.
gnomAD v4.1: 17 of 1,614,046 alleles (0.0011%); highest among the groups gnomAD compares: Non-Finnish European, 0.0014%; no homozygotes.

Submission:

Labcorp Genetics (formerly Invitae), Labcorp
Classification: Uncertain significance for Koolen-de Vries syndrome. Last evaluated: 2022-07-19. Review status: criteria provided, single submitter. Criteria: Invitae Variant Classification Sherloc (09022015). Collection method: clinical testing. Allele origin: germline.
Comment: Due to the possible presence of a polymorphic segmental duplication, the location of the variant could not be unambiguously resolved. Variants with ambiguous mapping are still reported relative to the KANSL1 transcript. Until the location of this sequence change can be resolved, the clinical significance of this variant remains uncertain. It has been classified as a Variant of Uncertain Significance. Algorithms developed to predict the effect of missense changes on protein structure and function (SIFT, PolyPhen-2, Align-GVGD) all suggest that this variant is likely to be tolerated. ClinVar contains an entry for this variant (Variation ID: 843148). This variant has not been reported in the literature in individuals with KANSL1-related conditions. This variant is present in population databases (no rsID available, gnomAD 0.0009%). This sequence change replaces arginine, which is basic and polar, with lysine, which is basic and polar, at codon 247 of the KANSL1 protein (p.Arg247Lys).

NM_015443.4(KANSL1):c.740G>A (p.Arg247Lys)

Gene: KANSL1 (KAT8 regulatory NSL complex subunit 1). Cytogenetic location: 17q21.31.
Variant type: single nucleotide variant.
Coding change: c.740G>A on transcript NM_015443.4 (MANE Select); coding-DNA position 740, G replaced by A.
Protein change: p.Arg247Lys; replaces arginine 247 with lysine.
Molecular consequence: missense variant.
Genome position (GRCh38, 1-based): chr17:46,171,404, C>T on the plus strand (G>A on the coding strand, the complement: KANSL1 is on the minus strand). VCF-style: chr17-46171404-C-T. GRCh37 (hg19) VCF-style: chr17-44248770-C-T.
Other names: c.740G>A, p.Arg247Lys (NM_001193466.2, NM_001379198.1, NM_001193465.2); short protein forms R247K.
Identifiers: ClinVar variation 843148 (VCV000843148.9), dbSNP rs1265436458, ClinGen allele CA399980924.